The following is an entry in ClinVar:

NM_000038.6(APC):c.1958+44A>G

Gene: APC (APC regulator of Wnt signaling pathway; plus strand). Cytogenetic location: 5q22.2.
Variant type: single nucleotide variant.
Coding change: c.1958+44A>G on transcript NM_000038.6 (MANE Select); 44 bases into the intron after coding-DNA position 1958, A replaced by G.
Molecular consequence: intron variant.
Genome position (GRCh38, 1-based): chr5:112,835,209, A>G. VCF-style: chr5-112835209-A-G. GRCh37 (hg19) VCF-style: chr5-112170906-A-G.
Other names: c.1109+44A>G (NM_001407470.1, NM_001354906.2); c.806+44A>G (NM_001407472.1, NM_001407471.1); c.2012+44A>G (NM_001407447.1, NM_001407448.1, NM_001407449.1 and 1 more transcripts); c.1958+44A>G (NM_001354895.2, NM_001407450.1, NM_001127510.3); c.1709+44A>G (NM_001407456.1, NM_001407457.1, NM_001407455.1 and 1 more transcripts); c.1655+44A>G (NM_001407460.1, NM_001407458.1, NM_001407459.1 and 1 more transcripts); c.1928+44A>G (NM_001407452.1); c.1571+44A>G (NM_001407469.1, NM_001407467.1); and 11 more.
Identifiers: ClinVar variation 3148060 (VCV003148060.1), dbSNP rs1764753256, ClinGen allele CA1573471904.

ClinVar aggregate classification (germline): Benign (1 of 4 stars; one submission).

Conditions:
Familial adenomatous polyposis 1 (FAP1). Also called: POLYPOSIS, ADENOMATOUS INTESTINAL; FAMILIAL ADENOMATOUS POLYPOSIS 1, ATTENUATED. Identifiers: MedGen C2713442, MONDO:0021056, OMIM 175100. Disease mechanism: loss of function.

Submission:

Myriad Genetics, Inc.
Classification: Benign for Familial adenomatous polyposis 1. Last evaluated: 2024-03-08. Review status: criteria provided, single submitter. Criteria: Myriad Autosomal Dominant, Autosomal Recessive and X-Linked Classification Criteria (2023). Collection method: clinical testing. Allele origin: unknown.
Comment: This variant is considered benign. This variant is intronic and is not expected to impact mRNA splicing.